The following is an entry in ClinVar:

NM_003289.4(TPM2):c.653A>C (p.Glu218Ala)

Gene: TPM2 (tropomyosin 2; minus strand). Cytogenetic location: 9p13.3.
Variant type: single nucleotide variant.
Coding change: c.653A>C on transcript NM_003289.4 (MANE Select); coding-DNA position 653, A replaced by C.
Protein change: p.Glu218Ala; replaces glutamic acid 218 with alanine.
Molecular consequence: missense variant.
Genome position (GRCh38, 1-based): chr9:35,684,537, T>G on the plus strand (A>C on the coding strand, the complement: TPM2 is on the minus strand). VCF-style: chr9-35684537-T-G. GRCh37 (hg19) VCF-style: chr9-35684534-T-G.
Other names: c.653A>C, p.Glu218Ala (NM_001301226.2, NM_001301227.2, NM_213674.1); short protein forms E218A.
Identifiers: ClinVar variation 2715845 (VCV002715845.3), dbSNP rs749219928, ClinGen allele CA5047213.

ClinVar aggregate classification (germline): Uncertain significance (1 of 4 stars; one submission).

Conditions:
Arthrogryposis, distal, type 1A. Also called: ARTHROGRYPOSIS MULTIPLEX CONGENITA, DISTAL, TYPE I. Identifiers: Orphanet 1146, MedGen C6022280, MONDO:0007157, OMIM 108120.

Allele frequency attached by ClinVar (database versions not stated): gnomAD exomes below 0.00001; ExAC 0.00001; gnomAD 0.00001; TOPMed 0.00001.
gnomAD v4.1: 7 of 1,614,030 alleles (0.00043%); highest among the groups gnomAD compares: Non-Finnish European, 0.00051%; no homozygotes.

Submission:

Labcorp Genetics (formerly Invitae), Labcorp
Classification: Uncertain significance for Arthrogryposis, distal, type 1A. Last evaluated: 2024-11-27. Review status: criteria provided, single submitter. Criteria: Invitae Variant Classification Sherloc (09022015). Collection method: clinical testing. Allele origin: germline.
Comment: This sequence change replaces glutamic acid, which is acidic and polar, with alanine, which is neutral and non-polar, at codon 218 of the TPM2 protein (p.Glu218Ala). This variant is present in population databases (rs749219928, gnomAD 0.002%). This variant has not been reported in the literature in individuals affected with TPM2-related conditions. ClinVar contains an entry for this variant (Variation ID: 2715845). Invitae Evidence Modeling of protein sequence and biophysical properties (such as structural, functional, and spatial information, amino acid conservation, physicochemical variation, residue mobility, and thermodynamic stability) indicates that this missense variant is expected to disrupt TPM2 protein function with a positive predictive value of 80%. In summary, the available evidence is currently insufficient to determine the role of this variant in disease. Therefore, it has been classified as a Variant of Uncertain Significance.